The following is an entry in ClinVar:

NM_002449.5(MSX2):c.179A>C (p.Lys60Thr)

Gene: MSX2 (msh homeobox 2; plus strand). Cytogenetic location: 5q35.2.
Variant type: single nucleotide variant.
Coding change: c.179A>C on transcript NM_002449.5 (MANE Select); coding-DNA position 179, A replaced by C.
Protein change: p.Lys60Thr; replaces lysine 60 with threonine.
Molecular consequence: missense variant.
Genome position (GRCh38, 1-based): chr5:174,724,838, A>C. VCF-style: chr5-174724838-A-C. GRCh37 (hg19) VCF-style: chr5-174151841-A-C.
Other names: c.179A>C, p.Lys60Thr (NM_001363626.2); short protein forms K60T.
Identifiers: ClinVar variation 1355907 (VCV001355907.8), dbSNP rs2113491774, ClinGen allele CA362229284.

ClinVar aggregate classification (germline): Uncertain significance (1 of 4 stars; one submission).

Conditions:
Cranium bifidum occultum. Also called: Enlarged Parietal Foramina; CATLIN MARKS; CRANIUM BIFIDUM, HEREDITARY. Identifiers: MedGen C1868598, HP:0004423.

Submission:

Labcorp Genetics (formerly Invitae), Labcorp
Classification: Uncertain significance for Cranium bifidum occultum. Last evaluated: 2022-08-23. Review status: criteria provided, single submitter. Criteria: Invitae Variant Classification Sherloc (09022015). Collection method: clinical testing. Allele origin: germline.
Comment: This sequence change replaces lysine, which is basic and polar, with threonine, which is neutral and polar, at codon 60 of the MSX2 protein (p.Lys60Thr). This variant is not present in population databases (gnomAD no frequency). This variant has not been reported in the literature in individuals affected with MSX2-related conditions. ClinVar contains an entry for this variant (Variation ID: 1355907). Algorithms developed to predict the effect of missense changes on protein structure and function (SIFT, PolyPhen-2, Align-GVGD) all suggest that this variant is likely to be tolerated. In summary, the available evidence is currently insufficient to determine the role of this variant in disease. Therefore, it has been classified as a Variant of Uncertain Significance.